The following is an entry in ClinVar:

ClinVar aggregate classification (germline): Uncertain significance. Review status: criteria provided, multiple submitters, no conflicts (2 of 4 stars). 2 submissions from 2 submitters: Uncertain significance (2). Last evaluated 2025-12-30.

Conditions:
USH2A-related disorder. Also called: USH2A-related condition; USH2A-related disorders. Identifiers: MedGen CN239332.

Submissions (2):

Myriad Genetics, Inc.
Classification: Uncertain significance for USH2A-related disorder. Last evaluated: 2025-12-30. Review status: criteria provided, single submitter. Criteria: Myriad Autosomal Dominant, Autosomal Recessive and X-Linked Classification Criteria (2023). Collection method: clinical testing. Allele origin: unknown.
Comment: NM_206933.2(USH2A):c.2228G>T(G743V) is a missense variant classified as a variant of uncertain significance in the context of USH2A-related disorders. G743V has not been observed in cases with relevant disease. Relevant functional assessments of this variant are not available in the literature. G743V has not been observed in referenced population frequency databases. In summary, there is insufficient evidence to classify NM_206933.2(USH2A):c.2228G>T(G743V) as pathogenic or benign. Please note: this variant was assessed in the context of healthy population screening.

Laboratory for Molecular Medicine, Mass General Brigham Personalized Medicine
Classification: Uncertain significance. Last evaluated: 2013-08-10. Review status: criteria provided, single submitter. Criteria: LMM Criteria. Collection method: clinical testing. Allele origin: germline. Observed: 1 variant allele.
Comment: The Gly743Val variant in USH2A has not been reported in individuals with hearing loss or in large population studies. Computational analyses (biochemical amino acid properties, conservation, AlignGVGD, PolyPhen2, and SIFT) suggest that the Gly743Val variant may impact the protein, though this information is not predict ive enough to determine pathogenicity. In summary, additional data is needed to determine the clinical significance of this variant.

NM_206933.4(USH2A):c.2228G>T (p.Gly743Val)

Gene: USH2A (usherin; minus strand). Cytogenetic location: 1q41.
Variant type: single nucleotide variant.
Coding change: c.2228G>T on transcript NM_206933.4 (MANE Select); coding-DNA position 2228, G replaced by T.
Protein change: p.Gly743Val; replaces glycine 743 with valine.
Molecular consequence: missense variant.
Genome position (GRCh38, 1-based): chr1:216,247,166, C>A on the plus strand (G>T on the coding strand, the complement: USH2A is on the minus strand). VCF-style: chr1-216247166-C-A. GRCh37 (hg19) VCF-style: chr1-216420508-C-A.
Other names: c.2228G>T, p.Gly743Val (NM_007123.6); short protein forms G743V.
Identifiers: ClinVar variation 179114 (VCV000179114.6), dbSNP rs727504638, ClinGen allele CA183760.